The following is an entry in ClinVar:

ClinVar aggregate classification (germline): Uncertain significance. Review status: criteria provided, multiple submitters, no conflicts (2 of 4 stars). 2 submissions from 2 submitters: Uncertain significance (2). Last evaluated 2024-10-26.

Conditions:
CSF3R-related disorder. Also called: CSF3R-related condition.
Autosomal recessive severe congenital neutropenia due to CSF3R deficiency. Also called: Neutropenia, severe congenital, 7, autosomal recessive. Identifiers: Orphanet 420702, MedGen C4310764, MONDO:0014865, OMIM 617014.

Allele frequency attached by ClinVar (database versions not stated): TOPMed 0.00001.
gnomAD v4.1: 2 of 1,614,224 alleles (0.00012%); highest among the groups gnomAD compares: Non-Finnish European, 0.00017%; no homozygotes.

Submissions (2):

PreventionGenetics, part of Exact Sciences
Classification: Uncertain significance for CSF3R-related condition. Last evaluated: 2024-10-26. Review status: criteria provided, single submitter. Criteria: ACMG Guidelines, 2015. Collection method: clinical testing. Allele origin: germline.
Comment: The CSF3R c.896C>T variant is predicted to result in the amino acid substitution p.Pro299Leu. To our knowledge, this variant has not been reported in the literature or in a large population database (gnomAD), indicating this variant is rare. At this time, the clinical significance of this variant is uncertain due to the absence of conclusive functional and genetic evidence.

Labcorp Genetics (formerly Invitae), Labcorp
Classification: Uncertain significance for Autosomal recessive severe congenital neutropenia due to CSF3R deficiency. Last evaluated: 2019-08-14. Review status: criteria provided, single submitter. Criteria: Invitae Variant Classification Sherloc (09022015). Collection method: clinical testing. Allele origin: germline.
Comment: This sequence change replaces proline with leucine at codon 299 of the CSF3R protein (p.Pro299Leu). The proline residue is moderately conserved and there is a moderate physicochemical difference between proline and leucine. This variant is not present in population databases (ExAC no frequency). This variant has not been reported in the literature in individuals with CSF3R-related conditions. Algorithms developed to predict the effect of missense changes on protein structure and function (SIFT, PolyPhen-2, Align-GVGD) all suggest that this variant is likely to be tolerated, but these predictions have not been confirmed by published functional studies and their clinical significance is uncertain. In summary, the available evidence is currently insufficient to determine the role of this variant in disease. Therefore, it has been classified as a Variant of Uncertain Significance.

NM_000760.4(CSF3R):c.896C>T (p.Pro299Leu)

Gene: CSF3R (colony stimulating factor 3 receptor; minus strand). Cytogenetic location: 1p34.3.
Variant type: single nucleotide variant.
Coding change: c.896C>T on transcript NM_000760.4 (MANE Select); coding-DNA position 896, C replaced by T.
Protein change: p.Pro299Leu; replaces proline 299 with leucine.
Molecular consequence: missense variant.
Genome position (GRCh38, 1-based): chr1:36,472,339, G>A on the plus strand (C>T on the coding strand, the complement: CSF3R is on the minus strand). VCF-style: chr1-36472339-G-A. GRCh37 (hg19) VCF-style: chr1-36937940-G-A.
Other names: c.896C>T, p.Pro299Leu (NM_156039.3, NM_172313.3); short protein forms P299L.
Identifiers: ClinVar variation 960833 (VCV000960833.10), dbSNP rs1489427982, ClinGen allele CA339422435.
Genomic context (GRCh38, chr1:36,472,339, plus strand): 5'-CTCCAGTGGCCAGGCAGGGGCCAGCGGATGCAGCGTATCTGCAGGGTGTAGGCCGTGGCT[G>A]GGAGGAGCCCGCAGAGCTCATACTGAAGGGCCTCCAAGGGGAGGGGGCCCACCTGGTGAG-3'
Protein context (NP_000751.1, residues 289-309): ALQYELCGLL[Pro299Leu]ATAYTLQIRC